The following is an entry in ClinVar:

ClinVar aggregate classification (germline): Uncertain significance. Review status: criteria provided, multiple submitters, no conflicts (2 of 4 stars). 4 submissions from 4 submitters: Uncertain significance (4). Last evaluated 2023-12-27.

Conditions:
Cardiovascular phenotype. Identifiers: MedGen CN230736.
Hereditary cancer-predisposing syndrome. Also called: Neoplastic Syndromes, Hereditary; Tumor predisposition; Hereditary Cancer Syndrome; Hereditary neoplastic syndrome. Identifiers: Orphanet 140162, MedGen C0027672, MeSH D009386, MONDO:0015356.
Neurofibromatosis, type 1 (NF1). Also called: VON RECKLINGHAUSEN DISEASE; NEUROFIBROMATOSIS, TYPE I, SOMATIC; Peripheral type neurofibromatosis; Neurofibromatosis, type I. Identifiers: Orphanet 636, MedGen C0027831, MONDO:0018975, OMIM 162200. Disease mechanism: loss of function.

Allele frequency attached by ClinVar (database versions not stated): gnomAD exomes below 0.00001 and 0.00001.
gnomAD v4.1: 4 of 1,613,226 alleles (0.00025%); highest among the groups gnomAD compares: South Asian, 0.0011%; no homozygotes.

Submissions (4):

Blueprint Genetics
Classification: Uncertain significance. Last evaluated: 2023-12-27. Review status: criteria provided, single submitter. Criteria: ACMG Guidelines, 2015. Collection method: clinical testing. Allele origin: germline.

Labcorp Genetics (formerly Invitae), Labcorp
Classification: Uncertain significance for Neurofibromatosis, type 1. Last evaluated: 2023-10-17. Review status: criteria provided, single submitter. Criteria: Invitae Variant Classification Sherloc (09022015). Collection method: clinical testing. Allele origin: germline.
Comment: This sequence change replaces threonine, which is neutral and polar, with isoleucine, which is neutral and non-polar, at codon 1959 of the NF1 protein (p.Thr1959Ile). This variant is present in population databases (no rsID available, gnomAD 0.003%). This variant has not been reported in the literature in individuals affected with NF1-related conditions. ClinVar contains an entry for this variant (Variation ID: 404547). Advanced modeling of protein sequence and biophysical properties (such as structural, functional, and spatial information, amino acid conservation, physicochemical variation, residue mobility, and thermodynamic stability) performed at Invitae indicates that this missense variant is expected to disrupt NF1 protein function. In summary, the available evidence is currently insufficient to determine the role of this variant in disease. Therefore, it has been classified as a Variant of Uncertain Significance.

Genome-Nilou Lab
Classification: Uncertain significance for Neurofibromatosis, type 1. Last evaluated: 2022-03-15. Review status: criteria provided, single submitter. Criteria: ACMG Guidelines, 2015. Collection method: clinical testing. Allele origin: germline. Affected: no.

Ambry Genetics
Classification: Uncertain significance for Cardiovascular phenotype; Hereditary cancer-predisposing syndrome. Last evaluated: 2019-10-14. Review status: criteria provided, single submitter. Criteria: Ambry Variant Classification Scheme 2023. Collection method: clinical testing. Allele origin: germline.
Comment: The p.T1959I variant (also known as c.5876C>T), located in coding exon 39 of the NF1 gene, results from a C to T substitution at nucleotide position 5876. The threonine at codon 1959 is replaced by isoleucine, an amino acid with similar properties. This amino acid position is well conserved in available vertebrate species. In addition, this alteration is predicted to be deleterious by in silico analysis. Since supporting evidence is limited at this time, the clinical significance of this alteration remains unclear.

NM_001042492.3(NF1):c.5939C>T (p.Thr1980Ile)

Gene: NF1 (neurofibromin 1; plus strand). Cytogenetic location: 17q11.2.
Variant type: single nucleotide variant.
Coding change: c.5939C>T on transcript NM_001042492.3 (MANE Select); coding-DNA position 5939, C replaced by T.
Protein change: p.Thr1980Ile; replaces threonine 1980 with isoleucine.
Molecular consequence: missense variant.
Genome position (GRCh38, 1-based): chr17:31,334,964, C>T. VCF-style: chr17-31334964-C-T. GRCh37 (hg19) VCF-style: chr17-29661982-C-T.
Other names: c.5876C>T, p.Thr1959Ile (NM_000267.4); short protein forms T1959I, T1980I.
Identifiers: ClinVar variation 404547 (VCV000404547.11), dbSNP rs1060500336, ClinGen allele CA16615546.